The following is an entry in ClinVar:

NM_000307.5(POU3F4):c.59C>A (p.Ala20Glu)

Gene: POU3F4 (POU class 3 homeobox 4; plus strand). Cytogenetic location: Xq21.1.
Variant type: single nucleotide variant.
Coding change: c.59C>A on transcript NM_000307.5 (MANE Select); coding-DNA position 59, C replaced by A.
Protein change: p.Ala20Glu; replaces alanine 20 with glutamic acid.
Molecular consequence: missense variant.
Genome position (GRCh38, 1-based): chrX:83,508,383, C>A. VCF-style: chrX-83508383-C-A. GRCh37 (hg19) VCF-style: chrX-82763391-C-A.
Other names: short protein forms A20E.
Identifiers: ClinVar variation 929920 (VCV000929920.4), dbSNP rs755424605, ClinGen allele CA10462731.

ClinVar aggregate classification (germline): Uncertain significance (1 of 4 stars; one submission).

Allele frequency attached by ClinVar (database versions not stated): gnomAD exomes 0.00001; ExAC 0.00001.
gnomAD v4.1: 5 of 1,211,797 alleles (0.00041%); highest among the groups gnomAD compares: East Asian, 0.003%; no homozygotes.

Submission:

Laboratory for Molecular Medicine, Mass General Brigham Personalized Medicine
Classification: Uncertain significance. Last evaluated: 2019-05-22. Review status: criteria provided, single submitter. Criteria: LMM Criteria. Collection method: clinical testing. Allele origin: germline. Observed: 1 variant allele.
Comment: The p.Ala20Glu variant in POU3F4 has not been previously reported in individuals with hearing loss but was identified in 0.001% (2/182827) of the total chromosomes in gnomAD. Computational prediction tools and conservation analysis do not provide strong support for or against an impact to the protein. In summary, the clinical significance of this variant is uncertain. ACMG/AMP Criteria applied: PM2.